The following is an entry in ClinVar:

ClinVar aggregate classification (germline): Likely benign. Review status: criteria provided, multiple submitters, no conflicts (2 of 4 stars). 3 submissions from 3 submitters: Likely benign (3). Last evaluated 2024-08-05.

gnomAD v4.1: 2 of 1,613,812 alleles (0.00012%); highest among the groups gnomAD compares: Non-Finnish European, 0.00017%; no homozygotes.

Submissions (3):

Blueprint Genetics
Classification: Likely benign. Last evaluated: 2024-08-05. Review status: criteria provided, single submitter. Criteria: ACMG Guidelines, 2015. Collection method: clinical testing. Allele origin: germline.

Labcorp Genetics (formerly Invitae), Labcorp
Classification: Likely benign. Last evaluated: 2024-05-06. Review status: criteria provided, single submitter. Criteria: Invitae Variant Classification Sherloc (09022015). Collection method: clinical testing. Allele origin: germline.

GeneDx
Classification: Likely benign. Last evaluated: 2017-06-28. Review status: criteria provided, single submitter. Criteria: GeneDx Variant Classification (06012015). Collection method: clinical testing. Allele origin: germline. Affected: yes.
Comment: This variant is considered likely benign or benign based on one or more of the following criteria: it is a conservative change, it occurs at a poorly conserved position in the protein, it is predicted to be benign by multiple in silico algorithms, and/or has population frequency not consistent with disease.

NM_006231.4(POLE):c.5379-7C>T

Gene: POLE (DNA polymerase epsilon, catalytic subunit; minus strand). Cytogenetic location: 12q24.33.
Variant type: single nucleotide variant.
Coding change: c.5379-7C>T on transcript NM_006231.4 (MANE Select); 7 bases into the intron before coding-DNA position 5379, C replaced by T.
Molecular consequence: intron variant.
Genome position (GRCh38, 1-based): chr12:132,639,305, G>A on the plus strand (C>T on the coding strand, the complement: POLE is on the minus strand). VCF-style: chr12-132639305-G-A. GRCh37 (hg19) VCF-style: chr12-133215891-G-A.
Identifiers: ClinVar variation 510532 (VCV000510532.10), dbSNP rs1460370920, ClinGen allele CA608514081.